The following is an entry in ClinVar:

NM_006904.7(PRKDC):c.1657G>A (p.Val553Met)

Gene: PRKDC (protein kinase, DNA-activated, catalytic subunit; minus strand). Cytogenetic location: 8q11.21.
Variant type: single nucleotide variant.
Coding change: c.1657G>A on transcript NM_006904.7 (MANE Select); coding-DNA position 1657, G replaced by A.
Protein change: p.Val553Met; replaces valine 553 with methionine.
Molecular consequence: missense variant.
Genome position (GRCh38, 1-based): chr8:47,933,139, C>T on the plus strand (G>A on the coding strand, the complement: PRKDC is on the minus strand). VCF-style: chr8-47933139-C-T. GRCh37 (hg19) VCF-style: chr8-48845699-C-T.
Other names: c.1657G>A, p.Val553Met (NM_001081640.2); short protein forms V553M.
Identifiers: ClinVar variation 1429453 (VCV001429453.5), dbSNP rs2090285953, ClinGen allele CA371165155.

ClinVar aggregate classification (germline): Uncertain significance (1 of 4 stars; one submission).

Conditions:
Severe combined immunodeficiency due to DNA-PKcs deficiency. Also called: IMMUNODEFICIENCY 26 WITH NEUROLOGIC ABNORMALITIES; Immunodeficiency 26 with or without neurologic abnormalities. Identifiers: Orphanet 317425, MedGen C4014833, MONDO:0014423, OMIM 615966.

Allele frequency attached by ClinVar (database versions not stated): TOPMed below 0.00001.
gnomAD v4.1: 1 of 1,548,540 alleles (0.000065%); highest among the groups gnomAD compares: Non-Finnish European, 0.000087%; no homozygotes.

Submission:

Labcorp Genetics (formerly Invitae), Labcorp
Classification: Uncertain significance for Severe combined immunodeficiency due to DNA-PKcs deficiency. Last evaluated: 2022-02-10. Review status: criteria provided, single submitter. Criteria: Invitae Variant Classification Sherloc (09022015). Collection method: clinical testing. Allele origin: germline.
Comment: In summary, the available evidence is currently insufficient to determine the role of this variant in disease. Therefore, it has been classified as a Variant of Uncertain Significance. Experimental studies and prediction algorithms are not available or were not evaluated, and the functional significance of this variant is currently unknown. This variant has not been reported in the literature in individuals affected with PRKDC-related conditions. This variant is not present in population databases (gnomAD no frequency). This sequence change replaces valine, which is neutral and non-polar, with methionine, which is neutral and non-polar, at codon 553 of the PRKDC protein (p.Val553Met).